The following is an entry in ClinVar:

ClinVar aggregate classification (germline): Uncertain significance (1 of 4 stars; one submission).

gnomAD v4.1: 16 of 1,613,270 alleles (0.00099%); highest among the groups gnomAD compares: Middle Eastern, 0.033%; no homozygotes.

Submission:

CeGaT Center for Human Genetics Tuebingen
Classification: Uncertain significance. Last evaluated: 2026-08-01. Review status: criteria provided, single submitter. Criteria: CeGaT Center For Human Genetics Tuebingen Variant Classification Criteria Version 2. Collection method: clinical testing. Allele origin: germline. Affected: yes. Observed: 1 variant allele.
Comment: ANK1: PM2, BP4

NM_000037.4(ANK1):c.5112T>A (p.Asp1704Glu)

Gene: ANK1 (ankyrin 1; minus strand). Cytogenetic location: 8p11.21.
Variant type: single nucleotide variant.
Coding change: c.5112T>A on transcript NM_000037.4 (MANE Select); coding-DNA position 5112, T replaced by A.
Protein change: p.Asp1704Glu; replaces aspartic acid 1704 with glutamic acid.
Molecular consequence: missense variant.
Genome position (GRCh38, 1-based): chr8:41,668,549, A>T on the plus strand (T>A on the coding strand, the complement: ANK1 is on the minus strand). VCF-style: chr8-41668549-A-T. GRCh37 (hg19) VCF-style: chr8-41526067-A-T.
Other names: c.5235T>A, p.Asp1745Glu (NM_001142446.2); c.5112T>A, p.Asp1704Glu (NM_020475.3, NM_020476.3); c.4626T>A, p.Asp1542Glu (NM_020477.3); short protein forms D1542E, D1704E, D1745E.
Identifiers: ClinVar variation 5038954 (VCV005038954.1).
Genomic context (GRCh38, chr8:41,668,549, plus strand): 5'-CTCCTCTTGCCAGGAACCTTGTGCAGCATCTTGCAGGTATGAGACAATCGAGCCGTCTGC[A>T]TCCCAGTCCTGCAGTCTGGGGTCCAGAAGAAGCAGCAGATGGCCGGCCGGGGAGAGAGAA-3'
Protein context (NP_000028.3, residues 1694-1714): ERSQDRLQDW[Asp1704Glu]ADGSIVSYLQ